The following is an entry in ClinVar:

ClinVar aggregate classification (germline): Uncertain significance. Review status: criteria provided, multiple submitters, no conflicts (2 of 4 stars). 4 submissions from 4 submitters: Uncertain significance (4). Last evaluated 2025-05-05.

Conditions:
Cardiovascular phenotype. Identifiers: MedGen CN230736.
Hypertrophic cardiomyopathy. Also called: HYPERTROPHIC MYOCARDIOPATHY. Identifiers: Orphanet 217569, MedGen C0007194, MeSH D002312, MONDO:0005045, HP:0001639.
Cardiomyopathy (CMYO). Also called: Cardiomyopathies. Identifiers: Orphanet 167848, MedGen C0878544, MONDO:0004994, HP:0001638. Inheritance: Various modes of inheritance.

Allele frequency attached by ClinVar (database versions not stated): gnomAD exomes below 0.00001 and 0.00001; ExAC 0.00001; gnomAD 0.00001; TOPMed 0.00001.
gnomAD v4.1: 7 of 1,612,606 alleles (0.00043%); highest among the groups gnomAD compares: Non-Finnish European, 0.00059%; no homozygotes.

Submissions (4):

Labcorp Genetics (formerly Invitae), Labcorp
Classification: Uncertain significance for Hypertrophic cardiomyopathy. Last evaluated: 2025-05-05. Review status: criteria provided, single submitter. Criteria: Invitae Variant Classification Sherloc (09022015). Collection method: clinical testing. Allele origin: germline.
Comment: This sequence change replaces leucine, which is neutral and non-polar, with proline, which is neutral and non-polar, at codon 93 of the TNNI3 protein (p.Leu93Pro). This variant is present in population databases (rs776035548, gnomAD 0.002%). This missense change has been observed in individual(s) with hypertrophic cardiomyopathy (PMID: 31737537). ClinVar contains an entry for this variant (Variation ID: 525020). An algorithm developed to predict the effect of missense changes on protein structure and function (PolyPhen-2) suggests that this variant is likely to be tolerated. In summary, the available evidence is currently insufficient to determine the role of this variant in disease. Therefore, it has been classified as a Variant of Uncertain Significance.

Ambry Genetics
Classification: Uncertain significance for Cardiovascular phenotype. Last evaluated: 2024-03-27. Review status: criteria provided, single submitter. Criteria: Ambry Variant Classification Scheme 2023. Collection method: clinical testing. Allele origin: germline.
Comment: The p.L93P variant (also known as c.278T>C), located in coding exon 5 of the TNNI3 gene, results from a T to C substitution at nucleotide position 278. The leucine at codon 93 is replaced by proline, an amino acid with similar properties. This amino acid position is highly conserved in available vertebrate species. In addition, this alteration is predicted to be deleterious by in silico analysis. Based on the available evidence, the clinical significance of this alteration remains unclear.

All of Us Research Program, National Institutes of Health
Classification: Uncertain significance for Hypertrophic cardiomyopathy. Last evaluated: 2023-04-03. Review status: criteria provided, single submitter. Criteria: ACMG Guidelines, 2015. Collection method: clinical testing. Allele origin: germline. Inheritance: Autosomal dominant inheritance. Observed: 1 variant allele, 1 heterozygote.
Comment: This missense variant replaces leucine with proline at codon 93 of the TNNI3 protein. Computational prediction tools and conservation analyses suggest that this variant may have deleterious impact on the protein function. Computational splicing tools suggest that this variant may not impact RNA splicing. To our knowledge, functional assays have not been performed for this variant nor has this variant been reported in individuals affected with cardiovascular disorders in the literature. This variant has been identified in 2/242490 chromosomes in the general population by the Genome Aggregation Database (gnomAD). Available evidence is insufficient to determine the role of this variant in disease conclusively. Therefore, this variant is classified as a Variant of Uncertain Significance.

This study involves interpretation of variants in research participants for the purpose of population health screening. Participant phenotype was not available at the time of variant classification. Additional details can be found in publication PMID: 35346344, PMCID: PMC8962531

Color Diagnostics, LLC DBA Color Health
Classification: Uncertain significance for Cardiomyopathy. Last evaluated: 2019-06-12. Review status: criteria provided, single submitter. Criteria: ACMG Guidelines, 2015. Collection method: clinical testing. Allele origin: germline.
Comment: This missense variant replaces leucine with proline at codon 93 of the TNNI3 protein. Computational prediction tools and conservation analyses suggest that this variant may have deleterious impact on the protein function. Computational splicing tools suggest that this variant may not impact RNA splicing. To our knowledge, functional assays have not been performed for this variant nor has this variant been reported in individuals affected with cardiovascular disorders in the literature. This variant has been identified in 2/242490 chromosomes in the general population by the Genome Aggregation Database (gnomAD). Available evidence is insufficient to determine the role of this variant in disease conclusively. Therefore, this variant is classified as a Variant of Uncertain Significance.

Literature cited by the submitters: PubMed 31737537 (cited by Labcorp Genetics (formerly Invitae), Labcorp).

NM_000363.5(TNNI3):c.278T>C (p.Leu93Pro)

Gene: TNNI3 (troponin I3, cardiac type; minus strand). Cytogenetic location: 19q13.42.
Variant type: single nucleotide variant.
Coding change: c.278T>C on transcript NM_000363.5 (MANE Select); coding-DNA position 278, T replaced by C.
Protein change: p.Leu93Pro; replaces leucine 93 with proline.
Molecular consequence: missense variant.
Genome position (GRCh38, 1-based): chr19:55,156,205, A>G on the plus strand (T>C on the coding strand, the complement: TNNI3 is on the minus strand). VCF-style: chr19-55156205-A-G. GRCh37 (hg19) VCF-style: chr19-55667573-A-G.
Other names: c.278T>C (LRG_432t1); short protein forms L93P.
Identifiers: ClinVar variation 525020 (VCV000525020.13), dbSNP rs776035548, ClinGen allele CA050976.
Genomic context (GRCh38, chr19:55,156,205, plus strand): 5'-GAGGCTGTACTGCTGAATTCCGGGACTAGAAACCTCGCATCCTTGGGAGCCGGTACCTGC[A>G]GCTCCGCGAAGCCCAGCCCGGCCAACTCCAGCGGCTGGCAGCGGGTGCTCAGAGCGCGCC-3'
Protein context (NP_000354.4, residues 83-103): LELAGLGFAE[Leu93Pro]QDLCRQLHAR